The following is an entry in ClinVar:

NM_001844.5(COL2A1):c.3210_3217dup (p.Pro1073fs)

Gene: COL2A1 (collagen type II alpha 1 chain; minus strand). Cytogenetic location: 12q13.11.
Variant type: Duplication.
Coding change: c.3210_3217dup on transcript NM_001844.5 (MANE Select); coding-DNA positions 3210 to 3217, 8 bases duplicated (TGGGCCCC; older notation c.3210_3217dupTGGGCCCC).
Protein change: p.Pro1073fs; shifts the reading frame from proline 1073.
Molecular consequence: frameshift variant.
Genome position (GRCh38, 1-based): chr12:47,977,376-47,977,383, GGGGCCCA duplicated on the plus strand (TGGGCCCC on the coding strand, the reverse complement: COL2A1 is on the minus strand); duplicating any 8 consecutive bases within chr12:47,977,376-47,977,388 gives the same sequence; the c. name uses the placement nearest the transcript's 3' end. VCF-style (leftmost placement, unchanged base first): chr12-47977375-G-GGGGGCCCA. GRCh37 (hg19) VCF-style: chr12-48371158-G-GGGGGCCCA.
Other names: c.3003_3010dup, p.Pro1004fs (NM_033150.3); short protein forms P1073fs, P1004fs.
Identifiers: ClinVar variation 2695524 (VCV002695524.3), dbSNP rs2540107881, ClinGen allele CA2697559180.

ClinVar aggregate classification (germline): Pathogenic (1 of 4 stars; one submission).

Submission:

Labcorp Genetics (formerly Invitae), Labcorp
Classification: Pathogenic. Last evaluated: 2023-11-19. Review status: criteria provided, single submitter. Criteria: Invitae Variant Classification Sherloc (09022015). Collection method: clinical testing. Allele origin: germline.
Comment: This sequence change creates a premature translational stop signal (p.Pro1073Leufs*60) in the COL2A1 gene. It is expected to result in an absent or disrupted protein product. Loss-of-function variants in COL2A1 are known to be pathogenic (PMID: 20179744). This variant is not present in population databases (gnomAD no frequency). This variant has not been reported in the literature in individuals affected with COL2A1-related conditions. For these reasons, this variant has been classified as Pathogenic.

Literature cited by the submitters: PubMed 20179744.